The following is an entry in ClinVar:

ClinVar aggregate classification (germline): Uncertain significance (1 of 4 stars; one submission).

Submission:

Institute for Human Genetics, University Hospital Essen
Classification: Uncertain significance. Last evaluated: 2025-11-27. Review status: criteria provided, single submitter. Criteria: Submitter's publication. Collection method: clinical testing. Allele origin: inherited. Inheritance: Autosomal unknown. Affected: yes. Observed: 1 variant allele, 1 compound heterozygote.
Comment: PS4_supp, PM1_supp, PM3 (criteria rationale detailed in Leitão et al. Nature Genetics 2026)

NR_199791.1(RNU2-2):n.61C>T

Genes: RNU2-2 (RNA, U2 small nuclear 2; minus strand), WDR74 (WD repeat domain 74; minus strand). Cytogenetic location: 11q12.3.
Variant type: single nucleotide variant.
Molecular consequence: non-coding transcript variant (on NR_199791.1). On other transcripts: 5 prime UTR variant (1).
Genome position: GRCh38 VCF-style: chr11-62841749-G-A. GRCh37 (hg19) VCF-style: chr11-62609221-G-A.
Other names: c.-478C>T (NM_001369451.1).
Identifiers: ClinVar variation 4540485 (VCV004540485.1).